The following is an entry in ClinVar:

NM_144670.6(A2ML1):c.3443G>C (p.Gly1148Ala)

Gene: A2ML1 (alpha-2-macroglobulin like 1; plus strand). Cytogenetic location: 12p13.31.
Variant type: single nucleotide variant.
Coding change: c.3443G>C on transcript NM_144670.6 (MANE Select); coding-DNA position 3443, G replaced by C.
Protein change: p.Gly1148Ala; replaces glycine 1148 with alanine.
Molecular consequence: missense variant.
Genome position (GRCh38, 1-based): chr12:8,861,238, G>C. VCF-style: chr12-8861238-G-C. GRCh37 (hg19) VCF-style: chr12-9013834-G-C.
Other names: c.1970G>C, p.Gly657Ala (NM_001282424.3); short protein forms G657A, G1148A.
Identifiers: ClinVar variation 4053099 (VCV004053099.1).

ClinVar aggregate classification (germline): Uncertain significance (1 of 4 stars; one submission).

gnomAD v4.1: 2 of 1,614,038 alleles (0.00012%); highest among the groups gnomAD compares: Admixed American, 0.0017%; no homozygotes.

Submission:

Ambry Genetics
Classification: Uncertain significance. Last evaluated: 2025-03-25. Review status: criteria provided, single submitter. Criteria: Ambry Variant Classification Scheme 2023. Collection method: clinical testing. Allele origin: germline.
Comment: The p.G1148A variant (also known as c.3443G>C), located in coding exon 28 of the A2ML1 gene, results from a G to C substitution at nucleotide position 3443. The glycine at codon 1148 is replaced by alanine, an amino acid with similar properties. This amino acid position is conserved. In addition, this alteration is predicted to be tolerated by in silico analysis. Based on the available evidence, the clinical significance of this variant remains unclear.